The following is an entry in ClinVar:

ClinVar aggregate classification (germline): Likely pathogenic (1 of 4 stars; one submission).

Submission:

Labcorp Genetics (formerly Invitae), Labcorp
Classification: Likely pathogenic. Last evaluated: 2023-08-16. Review status: criteria provided, single submitter. Criteria: Invitae Variant Classification Sherloc (09022015). Collection method: clinical testing. Allele origin: germline.
Comment: In summary, the currently available evidence indicates that the variant is pathogenic, but additional data are needed to prove that conclusively. Therefore, this variant has been classified as Likely Pathogenic. Algorithms developed to predict the effect of sequence changes on RNA splicing suggest that this variant may disrupt the consensus splice site. This variant has not been reported in the literature in individuals affected with ALPL-related conditions. This variant is not present in population databases (gnomAD no frequency). This sequence change affects an acceptor splice site in intron 5 of the ALPL gene. It is expected to disrupt RNA splicing. Variants that disrupt the donor or acceptor splice site typically lead to a loss of protein function (PMID: 16199547), and loss-of-function variants in ALPL are known to be pathogenic (PMID: 3174660, 10679946, 32973344, 33814268).

Literature cited by the submitters: PubMed 16199547; PubMed 3174660; PubMed 10679946; PubMed 32973344; PubMed 33814268.

NM_000478.6(ALPL):c.473-1G>A

Gene: ALPL (alkaline phosphatase, biomineralization associated; plus strand). Cytogenetic location: 1p36.12.
Variant type: single nucleotide variant.
Coding change: c.473-1G>A on transcript NM_000478.6 (MANE Select); the canonical splice acceptor site of the intron before coding-DNA position 473, G replaced by A.
Molecular consequence: splice acceptor variant.
Genome position (GRCh38, 1-based): chr1:21,564,040, G>A. VCF-style: chr1-21564040-G-A. GRCh37 (hg19) VCF-style: chr1-21890533-G-A.
Other names: c.473-1G>A (NM_001369805.2, NM_001369804.2, NM_001369803.2); c.308-1G>A (NM_001127501.4); c.242-1G>A (NM_001177520.3).
Identifiers: ClinVar variation 2753212 (VCV002753212.3), dbSNP rs2545303293, ClinGen allele CA338877670.